The following is an entry in ClinVar:

NM_017617.5(NOTCH1):c.1987G>A (p.Glu663Lys)

Gene: NOTCH1 (notch receptor 1; minus strand). Cytogenetic location: 9q34.3.
Variant type: single nucleotide variant.
Coding change: c.1987G>A on transcript NM_017617.5 (MANE Select); coding-DNA position 1987, G replaced by A.
Protein change: p.Glu663Lys; replaces glutamic acid 663 with lysine.
Molecular consequence: missense variant.
Genome position (GRCh38, 1-based): chr9:136,515,317, C>T on the plus strand (G>A on the coding strand, the complement: NOTCH1 is on the minus strand). VCF-style: chr9-136515317-C-T. GRCh37 (hg19) VCF-style: chr9-139409769-C-T.
Other names: short protein forms E663K.
Identifiers: ClinVar variation 1354459 (VCV001354459.11), dbSNP rs548000491, ClinGen allele CA5341546.
Genomic context (GRCh38, chr9:136,515,317, plus strand): 5'-GTGCAGTCAGCCCCCACGTGCAGGGCCGCTCACCTGTGTAGCCCGGCTCACAGGCACACT[C>T]GTAGCCATCGATCTTGTCCAGACAGGTGCCCGAGTCGCAGGGGCTGCTGGCACAGTCATC-3'
Protein context (NP_060087.3, residues 653-673): GTCLDKIDGY[Glu663Lys]CACEPGYTGS

ClinVar aggregate classification (germline): Conflicting classifications of pathogenicity. Review status: criteria provided, conflicting classifications (1 of 4 stars). 3 submissions from 3 submitters: Uncertain significance (2); Likely benign (1). Last evaluated 2023-12-21.

Conditions:
Adams-Oliver syndrome 5 (AOS5). Identifiers: Orphanet 974, MedGen C4014970, MONDO:0014459, OMIM 616028.
Familial thoracic aortic aneurysm and aortic dissection (TAAD). Also called: Thoracic aortic aneurysms and dissections. Identifiers: Orphanet 91387, MedGen C4707243, MONDO:0019625.

Allele frequency attached by ClinVar (database versions not stated): gnomAD 0.00001; gnomAD exomes 0.00001; ExAC 0.00002; 1000 Genomes Project 30x 0.00016; 1000 Genomes Project 0.00020.
gnomAD v4.1: 33 of 1,612,972 alleles (0.002%); highest among the groups gnomAD compares: East Asian, 0.0045%; no homozygotes.

Submissions (3):

Ambry Genetics
Classification: Uncertain significance for Familial thoracic aortic aneurysm and aortic dissection. Last evaluated: 2023-12-21. Review status: criteria provided, single submitter. Criteria: Ambry Variant Classification Scheme 2023. Collection method: clinical testing. Allele origin: germline.
Comment: The p.E663K variant (also known as c.1987G>A), located in coding exon 12 of the NOTCH1 gene, results from a G to A substitution at nucleotide position 1987. The glutamic acid at codon 663 is replaced by lysine, an amino acid with similar properties. This amino acid position is well conserved in available vertebrate species. In addition, the in silico prediction for this alteration is inconclusive. Since supporting evidence is limited at this time, the clinical significance of this alteration remains unclear.

Labcorp Genetics (formerly Invitae), Labcorp
Classification: Likely benign for Adams-Oliver syndrome 5. Last evaluated: 2023-11-13. Review status: criteria provided, single submitter. Criteria: Invitae Variant Classification Sherloc (09022015). Collection method: clinical testing. Allele origin: germline.

Revvity Omics, Revvity
Classification: Uncertain significance. Last evaluated: 2023-09-07. Review status: criteria provided, single submitter. Criteria: ACMG Guidelines, 2015. Collection method: clinical testing. Allele origin: germline.